The following is an entry in ClinVar:

ClinVar aggregate classification (germline): Uncertain significance (1 of 4 stars; one submission).

Submission:

GeneDx
Classification: Uncertain significance. Last evaluated: 2025-06-25. Review status: criteria provided, single submitter. Criteria: GeneDx Variant Classification Process June 2021. Collection method: clinical testing. Allele origin: germline. Affected: yes.
Comment: Not observed at significant frequency in large population cohorts (gnomAD); In silico analysis suggests that this missense variant does not alter protein structure/function; Has not been previously published as pathogenic or benign to our knowledge

NM_004447.6(EPS8):c.1439C>G (p.Ser480Cys)

Gene: EPS8 (EGFR pathway substrate 8, signaling adaptor; minus strand). Cytogenetic location: 12p12.3.
Variant type: single nucleotide variant.
Coding change: c.1439C>G on transcript NM_004447.6 (MANE Select); coding-DNA position 1439, C replaced by G.
Protein change: p.Ser480Cys; replaces serine 480 with cysteine.
Molecular consequence: missense variant. On other transcripts: non-coding transcript variant (3).
Genome position (GRCh38, 1-based): chr12:15,647,256, G>C on the plus strand (C>G on the coding strand, the complement: EPS8 is on the minus strand). VCF-style: chr12-15647256-G-C. GRCh37 (hg19) VCF-style: chr12-15800190-G-C.
Other names: c.1022C>G, p.Ser341Cys (NM_001413837.1); c.659C>G, p.Ser220Cys (NM_001413838.1); c.1439C>G, p.Ser480Cys (NM_001413831.1, NM_001413832.1, NM_001413833.1 and 1 more transcripts); c.1199C>G, p.Ser400Cys (NM_001413835.1, NM_001413836.1); short protein forms S220C, S341C, S400C, S480C.
Identifiers: ClinVar variation 4540118 (VCV004540118.1).
Genomic context (GRCh38, chr12:15,647,256, plus strand): 5'-CTTGTGTAAATGTTGCTACTGAACGCATAGCCATCGGCTGGATGATACTCTGATACACTG[G>C]AATGCTGAAAGACAAAGTGGGGCAGATTAAAGAATCACCAAATACTATTTGAATCAGCAC-3'
Protein context (NP_004438.3, residues 470-490): QEIKRLSTEH[Ser480Cys]SVSEYHPADG